The following is an entry in ClinVar:

ClinVar aggregate classification (germline): Benign (1 of 4 stars; one submission).

Conditions:
Neuropathy, hereditary sensory and autonomic, type 1C. Also called: HSAN IC; HSN IC. Identifiers: Orphanet 36386, MedGen C3150896, MONDO:0013337, OMIM 613640.

Allele frequency attached by ClinVar (database versions not stated): 1000 Genomes Project 0.00220; gnomAD 0.00220; TOPMed 0.00242; 1000 Genomes Project 30x 0.00250.

Submission:

Illumina Laboratory Services, Illumina
Classification: Benign for Neuropathy, hereditary sensory and autonomic, type 1C. Last evaluated: 2018-01-12. Review status: criteria provided, single submitter. Criteria: ICSL Variant Classification Criteria 13 December 2019. Collection method: clinical testing. Allele origin: germline.
Comment: This variant was observed in the ICSL laboratory as part of a predisposition screen in an ostensibly healthy population. It had not been previously curated by ICSL or reported in the Human Gene Mutation Database (HGMD: prior to June 1st, 2018), and was therefore a candidate for classification through an automated scoring system. Utilizing variant allele frequency, disease prevalence and penetrance estimates, and inheritance mode, an automated score was calculated to assess if this variant is too frequent to cause the disease. Based on the score and internal cut-off values, a variant classified as benign is not then subjected to further curation. The score for this variant resulted in a classification of benign for this disease.

NM_004863.4(SPTLC2):c.*1709G>A

Gene: SPTLC2 (serine palmitoyltransferase long chain base subunit 2; minus strand). Cytogenetic location: 14q24.3.
Variant type: single nucleotide variant.
Coding change: c.*1709G>A on transcript NM_004863.4 (MANE Select); 1709 bases downstream of the stop codon, G replaced by A.
Molecular consequence: 3 prime UTR variant.
Genome position (GRCh38, 1-based): chr14:77,510,575, C>T on the plus strand (G>A on the coding strand, the complement: SPTLC2 is on the minus strand). VCF-style: chr14-77510575-C-T. GRCh37 (hg19) VCF-style: chr14-77976918-C-T.
Identifiers: ClinVar variation 314637 (VCV000314637.5), dbSNP rs146295173, ClinGen allele CA10641163.